The following is an entry in ClinVar:

ClinVar aggregate classification (germline): Conflicting classifications of pathogenicity. Review status: criteria provided, conflicting classifications (1 of 4 stars). 2 submissions from 2 submitters: Uncertain significance (1); Likely benign (1). Last evaluated 2023-06-22.

Conditions:
Emery-Dreifuss muscular dystrophy (EDMD). Also called: Scapuloperoneal syndrome, X-linked (formerly); Humeroperoneal neuromuscular disease, (formerly). Identifiers: Orphanet 261, MedGen C0410189, MONDO:0016830.

gnomAD v4.1: 3 of 1,613,844 alleles (0.00019%); highest among the groups gnomAD compares: East Asian, 0.0045%; no homozygotes.

Submissions (2):

Ambry Genetics
Classification: Likely benign. Last evaluated: 2023-06-22. Review status: criteria provided, single submitter. Criteria: Ambry Variant Classification Scheme 2023. Collection method: clinical testing. Allele origin: germline.

Labcorp Genetics (formerly Invitae), Labcorp
Classification: Uncertain significance for Emery-Dreifuss muscular dystrophy. Last evaluated: 2022-06-25. Review status: criteria provided, single submitter. Criteria: Invitae Variant Classification Sherloc (09022015). Collection method: clinical testing. Allele origin: germline.
Comment: In summary, the available evidence is currently insufficient to determine the role of this variant in disease. Therefore, it has been classified as a Variant of Uncertain Significance. Algorithms developed to predict the effect of missense changes on protein structure and function output the following: SIFT: "Tolerated"; PolyPhen-2: "Benign"; Align-GVGD: "Class C0". The alanine amino acid residue is found in multiple mammalian species, which suggests that this missense change does not adversely affect protein function. This variant has not been reported in the literature in individuals affected with SUN2-related conditions. This variant is present in population databases (rs777319339, gnomAD 0.03%). This sequence change replaces valine, which is neutral and non-polar, with alanine, which is neutral and non-polar, at codon 146 of the SUN2 protein (p.Val146Ala).

NM_015374.3(SUN2):c.437T>C (p.Val146Ala)

Gene: SUN2 (Sad1 and UNC84 domain containing 2; minus strand). Cytogenetic location: 22q13.1.
Variant type: single nucleotide variant.
Coding change: c.437T>C on transcript NM_015374.3 (MANE Select); coding-DNA position 437, T replaced by C.
Protein change: p.Val146Ala; replaces valine 146 with alanine.
Molecular consequence: missense variant. On other transcripts: intron variant (1).
Genome position (GRCh38, 1-based): chr22:38,750,308, A>G on the plus strand (T>C on the coding strand, the complement: SUN2 is on the minus strand). VCF-style: chr22-38750308-A-G. GRCh37 (hg19) VCF-style: chr22-39146313-A-G.
Other names: c.500T>C, p.Val167Ala (NM_001199579.2, NM_001394428.1); c.437T>C, p.Val146Ala (NM_001199580.2, NM_001394427.1, NM_001394431.1 and 9 more transcripts); c.482T>C, p.Val161Ala (NM_001394429.1, NM_001394430.1); c.347T>C, p.Val116Ala (NM_001394438.1); c.299T>C, p.Val100Ala (NM_001394439.1, NM_001394440.1, NM_001394441.1); c.123-1525T>C (NM_001394443.1); c.437T>C (NM_015374.2); short protein forms V146A, V100A, V116A, V161A, V167A.
Identifiers: ClinVar variation 1963307 (VCV001963307.7), dbSNP rs777319339, ClinGen allele CA10235932.